The following is an entry in ClinVar:

ClinVar aggregate classification (germline): Uncertain significance (1 of 4 stars; one submission).

gnomAD v4.1: 2 of 1,613,226 alleles (0.00012%); highest among the groups gnomAD compares: Non-Finnish European, 0.00017%; no homozygotes.

Submission:

GeneDx
Classification: Uncertain significance. Last evaluated: 2023-11-30. Review status: criteria provided, single submitter. Criteria: GeneDx Variant Classification Process June 2021. Collection method: clinical testing. Allele origin: germline. Affected: yes.
Comment: Not observed at significant frequency in large population cohorts (gnomAD); In silico analysis supports that this missense variant has a deleterious effect on protein structure/function; Has not been previously published as pathogenic or benign to our knowledge

NM_000180.4(GUCY2D):c.2760T>A (p.Asp920Glu)

Gene: GUCY2D (guanylate cyclase 2D, retinal; plus strand). Cytogenetic location: 17p13.1.
Variant type: single nucleotide variant.
Coding change: c.2760T>A on transcript NM_000180.4 (MANE Select); coding-DNA position 2760, T replaced by A.
Protein change: p.Asp920Glu; replaces aspartic acid 920 with glutamic acid.
Molecular consequence: missense variant.
Genome position (GRCh38, 1-based): chr17:8,015,042, T>A. VCF-style: chr17-8015042-T-A. GRCh37 (hg19) VCF-style: chr17-7918360-T-A.
Other names: short protein forms D920E.
Identifiers: ClinVar variation 3364383 (VCV003364383.1).
Genomic context (GRCh38, chr17:8,015,042, plus strand): 5'-GGTTGTGGACCTGCTCAACGATCTCTACACACTCTTTGATGCCATCATTGGTTCCCACGA[T>A]GTCTACAAGGTGCAGTGTGTAGGGGACAAGCCCTCCTGACCTTCAATTCAGCTTCACCAG-3'
Protein context (NP_000171.1, residues 910-930): TLFDAIIGSH[Asp920Glu]VYKVETIGDA